The following is an entry in ClinVar:

NM_022482.5(GZF1):c.722C>T (p.Thr241Met)

Gene: GZF1 (GDNF inducible zinc finger protein 1; plus strand). Cytogenetic location: 20p11.21.
Variant type: single nucleotide variant.
Coding change: c.722C>T on transcript NM_022482.5 (MANE Select); coding-DNA position 722, C replaced by T.
Protein change: p.Thr241Met; replaces threonine 241 with methionine.
Molecular consequence: missense variant.
Genome position (GRCh38, 1-based): chr20:23,365,105, C>T. VCF-style: chr20-23365105-C-T. GRCh37 (hg19) VCF-style: chr20-23345742-C-T.
Other names: c.722C>T, p.Thr241Met (NM_001317012.2, NM_001317019.1); short protein forms T241M.
Identifiers: ClinVar variation 1385241 (VCV001385241.6), dbSNP rs756784368, ClinGen allele CA9788557.

ClinVar aggregate classification (germline): Uncertain significance (1 of 4 stars; one submission).

Allele frequency attached by ClinVar (database versions not stated): gnomAD exomes 0.00001; ExAC 0.00002; gnomAD 0.00003; TOPMed 0.00003.
gnomAD v4.1: 47 of 1,613,814 alleles (0.0029%); highest among the groups gnomAD compares: Non-Finnish European, 0.0037%; no homozygotes.

Submission:

Labcorp Genetics (formerly Invitae), Labcorp
Classification: Uncertain significance. Last evaluated: 2020-12-24. Review status: criteria provided, single submitter. Criteria: Invitae Variant Classification Sherloc (09022015). Collection method: clinical testing. Allele origin: germline.
Comment: This sequence change replaces threonine with methionine at codon 241 of the GZF1 protein (p.Thr241Met). The threonine residue is weakly conserved and there is a moderate physicochemical difference between threonine and methionine. This variant is present in population databases (rs756784368, ExAC 0.003%). This variant has not been reported in the literature in individuals with GZF1-related conditions. Algorithms developed to predict the effect of missense changes on protein structure and function are either unavailable or do not agree on the potential impact of this missense change (SIFT: "Not Available"; PolyPhen-2: "Probably Damaging"; Align-GVGD: "Not Available"). In summary, the available evidence is currently insufficient to determine the role of this variant in disease. Therefore, it has been classified as a Variant of Uncertain Significance.